The following is an entry in ClinVar:

NM_024675.4(PALB2):c.48+1G>C

Gene: PALB2 (partner and localizer of BRCA2; minus strand). Cytogenetic location: 16p12.2.
Variant type: single nucleotide variant.
Coding change: c.48+1G>C on transcript NM_024675.4 (MANE Select); the canonical splice donor site of the intron after coding-DNA position 48, G replaced by C.
Molecular consequence: splice donor variant. On other transcripts: 5 prime UTR variant (2), intron variant (2).
Genome position (GRCh38, 1-based): chr16:23,641,109, C>G on the plus strand (G>C on the coding strand, the complement: PALB2 is on the minus strand). VCF-style: chr16-23641109-C-G. GRCh37 (hg19) VCF-style: chr16-23652430-C-G.
Other names: c.-1695G>C (NM_001407304.1, NM_001407310.1); c.-838+18G>C (NM_001407308.1, NM_001407306.1); c.48+1G>C (NM_001407314.1, NM_001407296.1, NM_001407297.1 and 5 more transcripts); c.-105+1G>C (NM_001407313.1, NM_001407312.1); c.-972+1G>C (NM_001407307.1, NM_001407309.1, NM_001407311.1 and 1 more transcripts).
Identifiers: ClinVar variation 126750 (VCV000126750.9), dbSNP rs515726118, ClinGen allele CA269629.
Genomic context (GRCh38, chr16:23,641,109, plus strand): 5'-CCTAAAACCCTGGGAAAGCGGGGTCAGAGTCCTGCGTCCGCCCTTCCCGCACCCCCGGCA[C>G]CTTTTCCTTCTCCTCACAGCTGAGGGGCTTCCCGGGAGGCTCGTCCATCGGGCAGGCGAC-3'

ClinVar aggregate classification (germline): Conflicting classifications of pathogenicity. Review status: criteria provided, conflicting classifications (1 of 4 stars). 4 submissions from 4 submitters: Likely pathogenic (2); Uncertain significance (1). 1 of the submissions does not count toward it. Last evaluated 2023-03-01.

Conditions:
Hereditary cancer-predisposing syndrome. Also called: Hereditary Cancer Syndrome; Hereditary neoplastic syndrome; Tumor predisposition; Neoplastic Syndromes, Hereditary. Identifiers: Orphanet 140162, MedGen C0027672, MeSH D009386, MONDO:0015356.
Familial cancer of breast. Also called: BREAST CANCER, FAMILIAL; hereditary breast carcinoma; Hereditary breast cancer. Identifiers: Orphanet 227535, MedGen C0346153, MONDO:0016419, OMIM 114480. Disease mechanism: loss of function.

Submissions (4):

Myriad Genetics, Inc.
Classification: Likely pathogenic for Familial cancer of breast. Last evaluated: 2023-03-01. Review status: criteria provided, single submitter. Criteria: Myriad Autosomal Dominant, Autosomal Recessive and X-Linked Classification Criteria (2023). Collection method: clinical testing. Allele origin: unknown.
Comment: This variant is considered likely pathogenic. This variant occurs within a consensus splice junction and is predicted to result in abnormal mRNA splicing of either an out-of-frame exon or an in-frame exon necessary for protein stability and/or normal function.

GeneDx
Classification: Uncertain significance. Last evaluated: 2015-12-22. Review status: criteria provided, single submitter. Criteria: GeneDx Variant Classification (06012015). Collection method: clinical testing. Allele origin: germline. Affected: yes.
Comment: This variant is denoted PALB2 c.48+1G>C or IVS1+1G>C and consists of a G>C nucleotide substitution at the +1 position of intron 1 of the PALB2 gene. This variant destroys a canonical splice donor site and is predicted to cause skipping of exon 2, resulting in an in-frame deletion of 20 amino acids that are not part of a critical functional domain. This variant has been reported in an individual with a personal and family history of breast cancer (Hellebrand 2011). Based on the current evidence, we consider PALB2 c.48+1G>C to be a variant of uncertain significance.

Ambry Genetics
Classification: Likely pathogenic for Hereditary cancer-predisposing syndrome. Last evaluated: 2015-03-16. Review status: criteria provided, single submitter. Criteria: Ambry Variant Classification Scheme 2023. Collection method: clinical testing. Allele origin: germline.
Comment: The c.48+1G>C intronic variant results from a G to C substitution one nucleotide after coding exon 1 of the PALB2 gene. This variant was first reported in an individual with breast cancer and family history of breast cancer (Hellebrand H, et al. Hum. Mutat. 2011 Jun; 32(6):E2176-88). Using the BDGP and ESEfinder splice site prediction tools, this alteration is predicted to abolish the native donor splice site; however, direct evidence is unavailable. Alterations that disrupt the canonical splice site are expected to cause aberrant splicing, resulting in an abnormal protein or a transcript that is subject to nonsense-mediated mRNA decay. As such, this alteration is classified as likely pathogenic.

Leiden Open Variation Database
Classification: Likely pathogenic for Familial cancer of breast. Last evaluated: 2019-05-13. Review status: no assertion criteria provided. Collection method: curation. Allele origin: germline. Affected: yes. Not counted in ClinVar's aggregate classification.
Comment: Curators: Marc Tischkowitz, Arleen D. Auerbach. Submitters to LOVD: Alfons Meindl, Marc Tischkowitz.

Literature cited by the submitters: PubMed 21618343 (cited by Ambry Genetics and Leiden Open Variation Database).